The following is an entry in ClinVar:

ClinVar aggregate classification (germline): Likely pathogenic (1 of 4 stars; one submission).

Conditions:
Osteogenesis imperfecta type 7 (OI7). Also called: OI type 7; OI type VII; OSTEOGENESIS IMPERFECTA, TYPE IIB; Osteogenesis imperfecta type 2B; OI type 2B; Osteogenesis imperfecta, perinatal lethal autosomal recessive. Identifiers: MedGen C1853162, MONDO:0012536, OMIM 610682.

Allele frequency attached by ClinVar (database versions not stated): gnomAD exomes 0.00001; ExAC 0.00007.
gnomAD v4.1: 17 of 1,612,806 alleles (0.0011%); highest among the groups gnomAD compares: Non-Finnish European, 0.0014%; no homozygotes.

Submission:

Labcorp Genetics (formerly Invitae), Labcorp
Classification: Likely pathogenic for Osteogenesis imperfecta type 7. Last evaluated: 2025-11-24. Review status: criteria provided, single submitter. Criteria: Invitae Variant Classification Sherloc (09022015). Collection method: clinical testing. Allele origin: germline.
Comment: This sequence change affects an acceptor splice site in intron 3 of the CRTAP gene. It is expected to disrupt RNA splicing. Variants that disrupt the donor or acceptor splice site typically lead to a loss of protein function (PMID: 16199547), and loss-of-function variants in CRTAP are known to be pathogenic (PMID: 17055431, 19862557, 24715559). This variant is present in population databases (rs775037541, gnomAD 0.007%). Disruption of this splice site has been observed in individual(s) with CRTAP-related conditions (internal data). ClinVar contains an entry for this variant (Variation ID: 2165126). Algorithms developed to predict the effect of sequence changes on RNA splicing suggest that this variant may disrupt the consensus splice site. In summary, the currently available evidence indicates that the variant is pathogenic, but additional data are needed to prove that conclusively. Therefore, this variant has been classified as Likely Pathogenic.

Literature cited by the submitters: PubMed 16199547; PubMed 17055431; PubMed 19862557; PubMed 24715559.

NM_006371.5(CRTAP):c.794-1G>C

Gene: CRTAP (cartilage associated protein; plus strand). Cytogenetic location: 3p22.3.
Variant type: single nucleotide variant.
Coding change: c.794-1G>C on transcript NM_006371.5 (MANE Select); the canonical splice acceptor site of the intron before coding-DNA position 794, G replaced by C.
Molecular consequence: splice acceptor variant. On other transcripts: intron variant (1).
Genome position (GRCh38, 1-based): chr3:33,129,938, G>C. VCF-style: chr3-33129938-G-C. GRCh37 (hg19) VCF-style: chr3-33171430-G-C.
Other names: c.794-1G>C (NM_001393363.1); c.794-2617G>C (NM_001393364.1); c.644-1G>C (NM_001393365.1).
Identifiers: ClinVar variation 2165126 (VCV002165126.4), dbSNP rs775037541, ClinGen allele CA2300412.